The following is an entry in ClinVar:

NC_012920.1(MT-ND1):m.4216T>C

Gene: MT-ND1 (mitochondrially encoded NADH dehydrogenase 1; plus strand).
Variant type: single nucleotide variant.
Genome position: chrM-4216-T-C.
Identifiers: ClinVar variation 9724 (VCV000009724.8), dbSNP rs1599988, ClinGen allele CA340943.

ClinVar aggregate classification (germline): Benign. Review status: criteria provided, multiple submitters, no conflicts (2 of 4 stars). 5 submissions from 5 submitters: Benign (3). 2 of the submissions do not count toward it. Last evaluated 2025-02-16.

Conditions:
Leber optic atrophy (LHON). Also called: Leber hereditary optic neuropathy; Leber's disease; Leber's optic atrophy; Optic Atrophy, Hereditary, Leber. Identifiers: Orphanet 104, MedGen C0917796, MONDO:0010788, OMIM 535000, HP:0001112.
Leigh syndrome (NULS). Also called: Leigh's syndrome; Leigh Disease; Leigh's necrotizing encephalopathy; Leigh's disease; Subacute necrotizing encephalopathy; Necrotizing encephalopathy infantile subacute of Leigh. Identifiers: Orphanet 506, MedGen C2931891, MONDO:0009723, OMIM 256000.

Submissions (5):

Laboratory of Genetics, Children's Clinical University Hospital Latvia
Classification: Benign. Last evaluated: 2025-02-16. Review status: criteria provided, single submitter. Criteria: ACMG Guidelines, 2015. Collection method: clinical testing. Allele origin: germline. Affected: yes.

Wong Mito Lab, Molecular and Human Genetics, Baylor College of Medicine
Classification: Benign for Leigh syndrome. Last evaluated: 2019-10-17. Review status: criteria provided, single submitter. Criteria: Modified ACMG Guidelines (Unpublished). Collection method: clinical testing. Allele origin: germline.
Comment: The NC_012920.1:m.4216T>C (YP_003024026.1:p.Tyr304His) variant in MTND1 gene is interpretated to be a Benign variant based on the modified ACMG guidelines (unpublished). This variant meets the following evidence codes: BA1

Breakthrough Genomics
Classification: Benign. Review status: criteria provided, single submitter. Criteria: ACMG Guidelines, 2015. Collection method: not provided. Allele origin: germline. Inheritance: Unknown mechanism. Affected: yes.

GeneReviews
Classification: Uncertain significance for Leber Hereditary Optic Neuropathy. Last evaluated: 2013-09-19. Review status: no assertion criteria provided. Collection method: curation. Allele origin: unknown. Not counted in ClinVar's aggregate classification.
ClinVar note: Converted during submission from unknown to Uncertain significance.

OMIM
Classification: Pathogenic for LEBER OPTIC ATROPHY. Last evaluated: 1992-09-30. Review status: no assertion criteria provided. Collection method: literature only. Allele origin: germline. Not counted in ClinVar's aggregate classification.

Literature cited by the submitters: PubMed 1732158 (cited by OMIM); PubMed 1417830 (cited by OMIM).